The following is an entry in ClinVar:

ClinVar aggregate classification (germline): Uncertain significance. Review status: criteria provided, multiple submitters, no conflicts (2 of 4 stars). 2 submissions from 2 submitters: Uncertain significance (2). Last evaluated 2021-12-14.

Conditions:
Hereditary cancer-predisposing syndrome. Also called: Hereditary Cancer Syndrome; Neoplastic Syndromes, Hereditary; Tumor predisposition; Hereditary neoplastic syndrome. Identifiers: Orphanet 140162, MedGen C0027672, MeSH D009386, MONDO:0015356.
Tuberous sclerosis 2 (TSC2). Identifiers: Orphanet 805, MedGen C1860707, MONDO:0013199, OMIM 613254.

Submissions (2):

Labcorp Genetics (formerly Invitae), Labcorp
Classification: Uncertain significance for Tuberous sclerosis 2. Last evaluated: 2021-12-14. Review status: criteria provided, single submitter. Criteria: Invitae Variant Classification Sherloc (09022015). Collection method: clinical testing. Allele origin: germline.
Comment: ClinVar contains an entry for this variant (Variation ID: 233025). This missense change has been observed in individual(s) with clinical features of lymphangioleiomyomatosis (PMID: 31856217). This variant is not present in population databases (gnomAD no frequency). This sequence change replaces threonine, which is neutral and polar, with serine, which is neutral and polar, at codon 603 of the TSC2 protein (p.Thr603Ser). Advanced modeling of protein sequence and biophysical properties (such as structural, functional, and spatial information, amino acid conservation, physicochemical variation, residue mobility, and thermodynamic stability) performed at Invitae indicates that this missense variant is not expected to disrupt TSC2 protein function. In summary, the available evidence is currently insufficient to determine the role of this variant in disease. Therefore, it has been classified as a Variant of Uncertain Significance.

Ambry Genetics
Classification: Uncertain significance for Hereditary cancer-predisposing syndrome. Last evaluated: 2015-07-15. Review status: criteria provided, single submitter. Criteria: Ambry Variant Classification Scheme 2023. Collection method: clinical testing. Allele origin: germline.
Comment: The p.T603S variant (also known as c.1807A>T), located in coding exon 16 of the TSC2 gene, results from an A to T substitution at nucleotide position 1807. The threonine at codon 603 is replaced by serine, an amino acid with similar properties. This variant was not reported in population based cohorts in the following databases: Database of Single Nucleotide Polymorphisms (dbSNP), NHLBI Exome Sequencing Project (ESP), and 1000 Genomes Project. In the ESP, this variant was not observed in 6498 samples (12996 alleles) with coverage at this position. To date, this alteration has been detected with an allele frequency of approximately 0.02% (greater than 4,500 alleles tested) in our clinical cohort. This amino acid position is poorly conserved in available vertebrate species, with serine as the reference amino acid in multiple species. In addition, this alteration is predicted to be tolerated by in silico analysis. Since supporting evidence is limited at this time, the clinical significance of p.T603S remains unclear.

Literature cited by the submitters: PubMed 31856217 (cited by Labcorp Genetics (formerly Invitae), Labcorp).

NM_000548.5(TSC2):c.1807A>T (p.Thr603Ser)

Gene: TSC2 (TSC complex subunit 2; plus strand). Cytogenetic location: 16p13.3.
Variant type: single nucleotide variant.
Coding change: c.1807A>T on transcript NM_000548.5 (MANE Select); coding-DNA position 1807, A replaced by T.
Protein change: p.Thr603Ser; replaces threonine 603 with serine.
Molecular consequence: missense variant.
Genome position (GRCh38, 1-based): chr16:2,070,546, A>T. VCF-style: chr16-2070546-A-T. GRCh37 (hg19) VCF-style: chr16-2120547-A-T.
Other names: c.1807A>T, p.Thr603Ser (NM_001077183.3, NM_001114382.3, NM_001363528.2 and 3 more transcripts); c.1696A>T, p.Thr566Ser (NM_001318827.2); c.1660A>T, p.Thr554Ser (NM_001318829.2); c.1207A>T, p.Thr403Ser (NM_001318831.2); c.1840A>T, p.Thr614Ser (NM_001318832.2); short protein forms T603S, T403S, T554S, T566S, T614S.
Identifiers: ClinVar variation 233025 (VCV000233025.10), dbSNP rs876660140, ClinGen allele CA10579877.
Genomic context (GRCh38, chr16:2,070,546, plus strand): 5'-GCCACGCGTGTGTATGAGATGCTGGTCAGCCACATTCAGCTCCACTACAAGCACAGCTAC[A>T]CCCTGCCAATCGCGAGCAGCATCCGGCTGCAGGTATGGTGGCTGGGGTTGCGCAGCCAGT-3'
Protein context (NP_000539.2, residues 593-613): HIQLHYKHSY[Thr603Ser]LPIASSIRLQ